The following is an entry in ClinVar:

ClinVar aggregate classification (germline): Uncertain significance. Review status: criteria provided, multiple submitters, no conflicts (2 of 4 stars). 3 submissions from 3 submitters: Uncertain significance (3). Last evaluated 2025-09-16.

Allele frequency attached by ClinVar (database versions not stated): gnomAD exomes 0.00001 and 0.00002; TOPMed 0.00002.

Submissions (3):

Labcorp Genetics (formerly Invitae), Labcorp
Classification: Uncertain significance. Last evaluated: 2025-09-16. Review status: criteria provided, single submitter. Criteria: Invitae Variant Classification Sherloc (09022015). Collection method: clinical testing. Allele origin: germline.
Comment: This sequence change replaces alanine, which is neutral and non-polar, with threonine, which is neutral and polar, at codon 108 of the CYP7A1 protein (p.Ala108Thr). This variant is present in population databases (no rsID available, gnomAD 0.003%). This variant has not been reported in the literature in individuals affected with CYP7A1-related conditions. ClinVar contains an entry for this variant (Variation ID: 598274). An algorithm developed to predict the effect of missense changes on protein structure and function (PolyPhen-2) suggests that this variant is likely to be disruptive. In summary, the available evidence is currently insufficient to determine the role of this variant in disease. Therefore, it has been classified as a Variant of Uncertain Significance.

Ambry Genetics
Classification: Uncertain significance. Last evaluated: 2022-08-08. Review status: criteria provided, single submitter. Criteria: Ambry Variant Classification Scheme 2023. Collection method: clinical testing. Allele origin: germline.

Eurofins Ntd Llc (ga)
Classification: Uncertain significance. Last evaluated: 2018-08-07. Review status: criteria provided, single submitter. Criteria: EGL ClinVar v180209 classification definitions. Collection method: clinical testing. Allele origin: germline. Observed: 1 variant allele, 1 heterozygote.

NM_000780.4(CYP7A1):c.322G>A (p.Ala108Thr)

Gene: CYP7A1 (cytochrome P450 family 7 subfamily A member 1; minus strand). Cytogenetic location: 8q12.1.
Variant type: single nucleotide variant.
Coding change: c.322G>A on transcript NM_000780.4 (MANE Select); coding-DNA position 322, G replaced by A.
Protein change: p.Ala108Thr; replaces alanine 108 with threonine.
Molecular consequence: missense variant.
Genome position (GRCh38, 1-based): chr8:58,497,190, C>T on the plus strand (G>A on the coding strand, the complement: CYP7A1 is on the minus strand). VCF-style: chr8-58497190-C-T. GRCh37 (hg19) VCF-style: chr8-59409749-C-T.
Other names: c.322G>A (NM_000780.3); short protein forms A108T.
Identifiers: ClinVar variation 598274 (VCV000598274.10), dbSNP rs922546527, ClinGen allele CA177300274.